The following is an entry in ClinVar:

NM_080860.4(RSPH1):c.661A>G (p.Thr221Ala)

Gene: RSPH1 (radial spoke head component 1; minus strand). Cytogenetic location: 21q22.3.
Variant type: single nucleotide variant.
Coding change: c.661A>G on transcript NM_080860.4 (MANE Select); coding-DNA position 661, A replaced by G.
Protein change: p.Thr221Ala; replaces threonine 221 with alanine.
Molecular consequence: missense variant.
Genome position (GRCh38, 1-based): chr21:42,477,357, T>C on the plus strand (A>G on the coding strand, the complement: RSPH1 is on the minus strand). VCF-style: chr21-42477357-T-C. GRCh37 (hg19) VCF-style: chr21-43897467-T-C.
Other names: c.547A>G, p.Thr183Ala (NM_001286506.2); c.661A>G (NM_080860.2); short protein forms T183A, T221A.
Identifiers: ClinVar variation 1449072 (VCV001449072.5), dbSNP rs369932767, ClinGen allele CA10043846.

ClinVar aggregate classification (germline): Uncertain significance. Review status: criteria provided, multiple submitters, no conflicts (2 of 4 stars). 2 submissions from 2 submitters: Uncertain significance (2). Last evaluated 2025-07-15.

Conditions:
Inborn genetic diseases. Identifiers: MedGen C0950123, MeSH D030342.
Primary ciliary dyskinesia. Also called: Ciliary dyskinesia. Identifiers: Orphanet 244, MedGen C0008780, MONDO:0016575, HP:0012265.

Allele frequency attached by ClinVar (database versions not stated): gnomAD exomes below 0.00001 and 0.00001; gnomAD 0.00001; TOPMed 0.00001; ExAC 0.00002; ESP Exome Variant Server 0.00008.
gnomAD v4.1: 5 of 1,608,838 alleles (0.00031%); highest among the groups gnomAD compares: South Asian, 0.0022%; no homozygotes.

Submissions (2):

Ambry Genetics
Classification: Uncertain significance for Inborn genetic diseases. Last evaluated: 2025-07-15. Review status: criteria provided, single submitter. Criteria: Ambry Variant Classification Scheme 2023. Collection method: clinical testing. Allele origin: germline.

Labcorp Genetics (formerly Invitae), Labcorp
Classification: Uncertain significance for Primary ciliary dyskinesia. Last evaluated: 2021-12-13. Review status: criteria provided, single submitter. Criteria: Invitae Variant Classification Sherloc (09022015). Collection method: clinical testing. Allele origin: germline.
Comment: In summary, the available evidence is currently insufficient to determine the role of this variant in disease. Therefore, it has been classified as a Variant of Uncertain Significance. Algorithms developed to predict the effect of missense changes on protein structure and function (SIFT, PolyPhen-2, Align-GVGD) all suggest that this variant is likely to be tolerated. This variant has not been reported in the literature in individuals affected with RSPH1-related conditions. This variant is present in population databases (rs369932767, gnomAD 0.006%). This sequence change replaces threonine, which is neutral and polar, with alanine, which is neutral and non-polar, at codon 221 of the RSPH1 protein (p.Thr221Ala).